The following is an entry in ClinVar:

ClinVar aggregate classification (germline): Pathogenic. Review status: criteria provided, multiple submitters, no conflicts (2 of 4 stars). 2 submissions from 2 submitters: Pathogenic (2). Last evaluated 2023-01-17.

Conditions:
Lethal congenital contracture syndrome 7 (LCCS7). Identifiers: MedGen C4225386, MONDO:0014569, OMIM 616286.

Allele frequency attached by ClinVar (database versions not stated): gnomAD 0.00001; TOPMed 0.00002; ESP Exome Variant Server 0.00015.
gnomAD v4.1: 12 of 1,614,098 alleles (0.00074%); highest among the groups gnomAD compares: African/African-American, 0.0027%; no homozygotes.

Submissions (2):

Labcorp Genetics (formerly Invitae), Labcorp
Classification: Pathogenic. Last evaluated: 2023-01-17. Review status: criteria provided, single submitter. Criteria: Invitae Variant Classification Sherloc (09022015). Collection method: clinical testing. Allele origin: germline.
Comment: This variant has not been reported in the literature in individuals affected with CNTNAP1-related conditions. This variant is present in population databases (rs144659252, gnomAD 0.008%). This sequence change creates a premature translational stop signal (p.Arg890*) in the CNTNAP1 gene. It is expected to result in an absent or disrupted protein product. Loss-of-function variants in CNTNAP1 are known to be pathogenic (PMID: 24319099). ClinVar contains an entry for this variant (Variation ID: 692016). For these reasons, this variant has been classified as Pathogenic.

Rady Children's Institute for Genomic Medicine, Rady Children's Hospital San Diego
Classification: Pathogenic for LETHAL CONGENITAL CONTRACTURE SYNDROME 7. Last evaluated: 2018-03-30. Review status: criteria provided, single submitter. Criteria: ACMG Guidelines, 2015. Collection method: clinical testing. Allele origin: germline. Affected: yes. Observed: 1 variant allele.
Comment: This variant is predicted to result in a premature stop codon and is therefore considered a loss-of-function mutation. This variant has not been reported in the literature to best of our knowledge. It is present as a heterozygous change in the gnomAD population database at a frequency of 0.001% (3/277134). Based on the available evidence, the c.2668C>T (p.Arg890Ter) variant is classified as pathogenic.

Literature cited by the submitters: PubMed 24319099 (cited by Labcorp Genetics (formerly Invitae), Labcorp).

NM_003632.3(CNTNAP1):c.2668C>T (p.Arg890Ter)

Gene: CNTNAP1 (contactin associated protein 1; plus strand). Cytogenetic location: 17q21.2.
Variant type: single nucleotide variant.
Coding change: c.2668C>T on transcript NM_003632.3 (MANE Select); coding-DNA position 2668, C replaced by T.
Protein change: p.Arg890Ter; replaces arginine 890 with a stop codon.
Molecular consequence: nonsense.
Genome position (GRCh38, 1-based): chr17:42,692,636, C>T. VCF-style: chr17-42692636-C-T. GRCh37 (hg19) VCF-style: chr17-40844654-C-T.
Other names: short protein forms R890*.
Identifiers: ClinVar variation 692016 (VCV000692016.4), dbSNP rs144659252, ClinGen allele CA8582112.
Genomic context (GRCh38, chr17:42,692,636, plus strand): 5'-TTCAATGATGACGAGTGGCACCTGGTCCGGGCTGAAATCAACGTGAAGCAGGCCCGGCTC[C>T]GAGTGGATCACCGGCCCTGGGTTCTGCGGCCTATGCCACTGCAGACCTACATCTGGATGG-3'